The following is an entry in ClinVar:

ClinVar aggregate classification (germline): Uncertain significance (1 of 4 stars; one submission).

Conditions:
Malignant hyperthermia, susceptibility to, 5 (MHS5). Also called: CACNA1S-Related Malignant Hyperthermia Susceptibility. Identifiers: Orphanet 423, MedGen C1866077, MONDO:0011163, OMIM 601887.

Submission:

All of Us Research Program, National Institutes of Health
Classification: Uncertain significance for Malignant hyperthermia, susceptibility to, 5. Last evaluated: 2023-07-19. Review status: criteria provided, single submitter. Criteria: ACMG Guidelines, 2015. Collection method: clinical testing. Allele origin: germline. Inheritance: Autosomal dominant inheritance. Observed: 1 variant allele, 1 heterozygote.
Comment: This missense variant replaces arginine with glycine at codon 252 of the CACNA1S protein. Computational prediction suggests that this variant may have deleterious impact on protein structure and function (internally defined REVEL score threshold >= 0.7, PMID: 27666373). To our knowledge, functional studies have not been reported for this variant. This variant has not been reported in individuals affected with CACNA1S-related disorders in the literature. This variant has not been identified in the general population by the Genome Aggregation Database (gnomAD). The available evidence is insufficient to determine the role of this variant in disease conclusively. Therefore, this variant is classified as a Variant of Uncertain Significance.

This study involves interpretation of variants in research participants for the purpose of population health screening. Participant phenotype was not available at the time of variant classification. Additional details can be found in publication PMID: 35346344, PMCID: PMC8962531

NM_000069.3(CACNA1S):c.754C>G (p.Arg252Gly)

Gene: CACNA1S (calcium voltage-gated channel subunit alpha1 S; minus strand). Cytogenetic location: 1q32.1.
Variant type: single nucleotide variant.
Coding change: c.754C>G on transcript NM_000069.3 (MANE Select); coding-DNA position 754, C replaced by G.
Protein change: p.Arg252Gly; replaces arginine 252 with glycine.
Molecular consequence: missense variant.
Genome position (GRCh38, 1-based): chr1:201,089,404, G>C on the plus strand (C>G on the coding strand, the complement: CACNA1S is on the minus strand). VCF-style: chr1-201089404-G-C. GRCh37 (hg19) VCF-style: chr1-201058532-G-C.
Other names: short protein forms R252G.
Identifiers: ClinVar variation 3072483 (VCV003072483.1), dbSNP rs151005797, ClinGen allele CA344136330.